The following is an entry in ClinVar:

ClinVar aggregate classification (germline): Uncertain significance. Review status: criteria provided, multiple submitters, no conflicts (2 of 4 stars). 4 submissions from 4 submitters: Uncertain significance (4). Last evaluated 2026-01-27.

Conditions:
Tuberous sclerosis 1 (TSC1). Identifiers: Orphanet 805, MedGen C1854465, MONDO:0008612, OMIM 191100.
Hereditary cancer-predisposing syndrome. Also called: Neoplastic Syndromes, Hereditary; Hereditary neoplastic syndrome; Tumor predisposition; Hereditary Cancer Syndrome. Identifiers: Orphanet 140162, MedGen C0027672, MeSH D009386, MONDO:0015356.
Tuberous sclerosis syndrome (TSC). Also called: Tuberous Sclerosis Complex; Tuberous sclerosis. Identifiers: Orphanet 805, MedGen C0041341, MONDO:0001734.

Submissions (4):

Labcorp Genetics (formerly Invitae), Labcorp
Classification: Uncertain significance for Tuberous sclerosis 1. Last evaluated: 2026-01-27. Review status: criteria provided, single submitter. Criteria: Invitae Variant Classification Sherloc (09022015). Collection method: clinical testing. Allele origin: germline.
Comment: This variant, c.1470_1472del, results in the deletion of 1 amino acid(s) of the TSC1 protein (p.Thr491del), but otherwise preserves the integrity of the reading frame. This variant is not present in population databases (gnomAD no frequency). This variant has not been reported in the literature in individuals affected with TSC1-related conditions. ClinVar contains an entry for this variant (Variation ID: 534451). Experimental studies and prediction algorithms are not available or were not evaluated, and the functional significance of this variant is currently unknown. In summary, the available evidence is currently insufficient to determine the role of this variant in disease. Therefore, it has been classified as a Variant of Uncertain Significance.

Ambry Genetics
Classification: Uncertain significance for Hereditary cancer-predisposing syndrome. Last evaluated: 2025-05-28. Review status: criteria provided, single submitter. Criteria: Ambry Variant Classification Scheme 2023. Collection method: clinical testing. Allele origin: germline.
Comment: The c.1470_1472delCAC variant (also known as p.T491del) is located in coding exon 13 of the TSC1 gene. This variant results from an in-frame CAC deletion at nucleotide positions 1470 to 1472. This results in the in-frame deletion of a threonine at codon 491. This amino acid position is not well conserved in available vertebrate species. In addition, this variant is predicted to be neutral by in silico analysis (Choi Y et al. PLoS ONE. 2012; 7(10):e46688). Since supporting evidence is limited at this time, the clinical significance of this alteration remains unclear.

GeneDx
Classification: Uncertain significance. Last evaluated: 2024-06-20. Review status: criteria provided, single submitter. Criteria: GeneDx Variant Classification Process June 2021. Collection method: clinical testing. Allele origin: germline. Affected: yes.
Comment: Not observed at significant frequency in large population cohorts (gnomAD); In-frame deletion of 1 amino acids in a non-repeat region; In silico analysis supports a deleterious effect on protein structure/function; Has not been previously published as pathogenic or benign to our knowledge

All of Us Research Program, National Institutes of Health
Classification: Uncertain significance for Tuberous sclerosis syndrome. Last evaluated: 2023-04-03. Review status: criteria provided, single submitter. Criteria: ACMG Guidelines, 2015. Collection method: clinical testing. Allele origin: germline. Inheritance: Autosomal dominant inheritance. Observed: 1 variant allele, 1 heterozygote.
Comment: This variant is a single amino acid deletion located in exon 15 of the TSC1 protein. To our knowledge, functional studies have not been reported for this variant. This variant has not been reported in individuals affected with TSC1-related disorders in the literature. This variant has not been identified in the general population by the Genome Aggregation Database (gnomAD). The available evidence is insufficient to determine the role of this variant in disease conclusively. Therefore, this variant is classified as a Variant of Uncertain Significance.

This study involves interpretation of variants in research participants for the purpose of population health screening. Participant phenotype was not available at the time of variant classification. Additional details can be found in publication PMID: 35346344, PMCID: PMC8962531

NM_000368.5(TSC1):c.1467CAC[1] (p.Thr491del)

Gene: TSC1 (TSC complex subunit 1; minus strand). Cytogenetic location: 9q34.13.
Variant type: Microsatellite.
Coding change: c.1467CAC[1] on transcript NM_000368.5 (MANE Select); one copy of the 3-base unit CAC starting at c.1467; the reference has two copies in a row; one copy, 3 bases deleted.
Protein change: p.Thr491del; deletes threonine 491.
Molecular consequence: inframe deletion.
Genome position (GRCh38, 1-based): chr9:132,906,106-132,906,108, GTG deleted on the plus strand (CAC on the coding strand, the reverse complement: TSC1 is on the minus strand); deleting any 3 consecutive bases within chr9:132,906,106-132,906,111 gives the same sequence; the position shown is the placement nearest the transcript's 3' end. VCF-style (leftmost placement, unchanged base first): chr9-132906105-TGTG-T. GRCh37 (hg19) VCF-style: chr9-135781492-TGTG-T.
Other names: c.1470_1472delCAC (NM_000368.4); c.1464CAC[1], p.Thr490del (NM_001162426.2); c.1314CAC[1], p.Thr440del (NM_001162427.2); c.1104CAC[1], p.Thr370del (NM_001362177.2); short protein forms T491del, T370del, T440del, T490del.
Identifiers: ClinVar variation 534451 (VCV000534451.14), dbSNP rs1554816071, ClinGen allele CA658797321.